The following is an entry in ClinVar:

NM_000465.4(BARD1):c.1088C>G (p.Ser363Cys)

Gene: BARD1 (BRCA1 associated RING domain 1; minus strand). Cytogenetic location: 2q35.
Variant type: single nucleotide variant.
Coding change: c.1088C>G on transcript NM_000465.4 (MANE Select); coding-DNA position 1088, C replaced by G.
Protein change: p.Ser363Cys; replaces serine 363 with cysteine.
Molecular consequence: missense variant. On other transcripts: non-coding transcript variant (2), intron variant (3).
Genome position (GRCh38, 1-based): chr2:214,780,786, G>C on the plus strand (C>G on the coding strand, the complement: BARD1 is on the minus strand). VCF-style: chr2-214780786-G-C. GRCh37 (hg19) VCF-style: chr2-215645510-G-C.
Other names: c.1031C>G, p.Ser344Cys (NM_001282543.2); c.159-28231C>G (NM_001282548.2); c.215+16275C>G (NM_001282545.2); c.364+11511C>G (NM_001282549.2); short protein forms S344C, S363C.
Identifiers: ClinVar variation 1716260 (VCV001716260.5), dbSNP rs1694962993, ClinGen allele CA350454080.

ClinVar aggregate classification (germline): Uncertain significance (1 of 4 stars; one submission).

Conditions:
Familial cancer of breast. Also called: Hereditary breast cancer; BREAST CANCER, FAMILIAL; hereditary breast carcinoma. Identifiers: Orphanet 227535, MedGen C0346153, MONDO:0016419, OMIM 114480. Disease mechanism: loss of function.

Allele frequency attached by ClinVar (database versions not stated): TOPMed below 0.00001.

Submission:

Labcorp Genetics (formerly Invitae), Labcorp
Classification: Uncertain significance for Familial cancer of breast. Last evaluated: 2022-08-12. Review status: criteria provided, single submitter. Criteria: Invitae Variant Classification Sherloc (09022015). Collection method: clinical testing. Allele origin: germline.
Comment: This variant has not been reported in the literature in individuals affected with BARD1-related conditions. In summary, the available evidence is currently insufficient to determine the role of this variant in disease. Therefore, it has been classified as a Variant of Uncertain Significance. Algorithms developed to predict the effect of missense changes on protein structure and function are either unavailable or do not agree on the potential impact of this missense change (SIFT: "Deleterious"; PolyPhen-2: "Possibly Damaging"; Align-GVGD: "Class C15"). This variant is not present in population databases (gnomAD no frequency). This sequence change replaces serine, which is neutral and polar, with cysteine, which is neutral and slightly polar, at codon 363 of the BARD1 protein (p.Ser363Cys).